The following is an entry in ClinVar:

NM_001134363.3(RBM20):c.3499G>C (p.Gly1167Arg)

Gene: RBM20 (RNA binding motif protein 20; plus strand). Cytogenetic location: 10q25.2.
Variant type: single nucleotide variant.
Coding change: c.3499G>C on transcript NM_001134363.3 (MANE Select); coding-DNA position 3499, G replaced by C.
Protein change: p.Gly1167Arg; replaces glycine 1167 with arginine.
Molecular consequence: missense variant.
Genome position (GRCh38, 1-based): chr10:110,831,108, G>C. VCF-style: chr10-110831108-G-C. GRCh37 (hg19) VCF-style: chr10-112590866-G-C.
Other names: short protein forms G1167R.
Identifiers: ClinVar variation 4537797 (VCV004537797.1).

ClinVar aggregate classification (germline): Uncertain significance (1 of 4 stars; one submission).

Submission:

GeneDx
Classification: Uncertain significance. Last evaluated: 2025-06-13. Review status: criteria provided, single submitter. Criteria: GeneDx Variant Classification Process June 2021. Collection method: clinical testing. Allele origin: germline. Affected: yes.
Comment: Not observed at significant frequency in large population cohorts (gnomAD); In silico analysis supports that this missense variant has a deleterious effect on protein structure/function; Has not been previously published as pathogenic or benign to our knowledge